The following is an entry in ClinVar:

ClinVar aggregate classification (germline): Uncertain significance. Review status: criteria provided, multiple submitters, no conflicts (2 of 4 stars). 2 submissions from 2 submitters: Uncertain significance (2). Last evaluated 2025-09-05.

Conditions:
Inborn genetic diseases. Identifiers: MedGen C0950123, MeSH D030342.

Submissions (2):

Ambry Genetics
Classification: Uncertain significance for Inborn genetic diseases. Last evaluated: 2025-09-05. Review status: criteria provided, single submitter. Criteria: Ambry Variant Classification Scheme 2023. Collection method: clinical testing. Allele origin: germline.

GeneDx
Classification: Uncertain significance. Last evaluated: 2023-03-17. Review status: criteria provided, single submitter. Criteria: GeneDx Variant Classification Process June 2021. Collection method: clinical testing. Allele origin: germline. Affected: yes.
Comment: Not observed at significant frequency in large population cohorts (gnomAD); In silico analysis supports that this missense variant has a deleterious effect on protein structure/function; Has not been previously published as pathogenic or benign to our knowledge

NM_020937.4(FANCM):c.3676G>T (p.Asp1226Tyr)

Gene: FANCM (FA complementation group M; plus strand). Cytogenetic location: 14q21.2.
Variant type: single nucleotide variant.
Coding change: c.3676G>T on transcript NM_020937.4 (MANE Select); coding-DNA position 3676, G replaced by T.
Protein change: p.Asp1226Tyr; replaces aspartic acid 1226 with tyrosine.
Molecular consequence: missense variant.
Genome position (GRCh38, 1-based): chr14:45,176,430, G>T. VCF-style: chr14-45176430-G-T. GRCh37 (hg19) VCF-style: chr14-45645633-G-T.
Other names: c.3598G>T, p.Asp1200Tyr (NM_001308133.2); short protein forms D1200Y, D1226Y.
Identifiers: ClinVar variation 2579932 (VCV002579932.3), dbSNP rs2139250484, ClinGen allele CA389602549.
Genomic context (GRCh38, chr14:45,176,430, plus strand): 5'-CAGAGAGGTGTACAGGAAGAAAAAGTGAAGAATCATGAGGATATTTTTGATTGCTCTAGG[G>T]ATTTATTTTCTGTTACCTTTGATTTAGGATTCTGTAGTCCAGATTCTGATGATGAAATAT-3'
Protein context (NP_065988.1, residues 1216-1236): NHEDIFDCSR[Asp1226Tyr]LFSVTFDLGF